The following is an entry in ClinVar:

NM_005876.5(SPEG):c.437G>A (p.Arg146His)

Gene: SPEG (striated muscle enriched protein kinase; plus strand). Cytogenetic location: 2q35.
Variant type: single nucleotide variant.
Coding change: c.437G>A on transcript NM_005876.5 (MANE Select); coding-DNA position 437, G replaced by A.
Protein change: p.Arg146His; replaces arginine 146 with histidine.
Molecular consequence: missense variant.
Genome position (GRCh38, 1-based): chr2:219,444,701, G>A. VCF-style: chr2-219444701-G-A. GRCh37 (hg19) VCF-style: chr2-220309423-G-A.
Other names: short protein forms R146H.
Identifiers: ClinVar variation 1923848 (VCV001923848.3), dbSNP rs773563946, ClinGen allele CA350709867.

ClinVar aggregate classification (germline): Uncertain significance (1 of 4 stars; one submission).

Allele frequency attached by ClinVar (database versions not stated): gnomAD 0.00001.
gnomAD v4.1: 15 of 1,613,962 alleles (0.00093%); highest among the groups gnomAD compares: African/African-American, 0.0013%; no homozygotes.

Submission:

Labcorp Genetics (formerly Invitae), Labcorp
Classification: Uncertain significance. Last evaluated: 2023-12-21. Review status: criteria provided, single submitter. Criteria: Invitae Variant Classification Sherloc (09022015). Collection method: clinical testing. Allele origin: germline.
Comment: This sequence change replaces arginine, which is basic and polar, with histidine, which is basic and polar, at codon 146 of the SPEG protein (p.Arg146His). This variant is not present in population databases (gnomAD no frequency). This variant has not been reported in the literature in individuals affected with SPEG-related conditions. ClinVar contains an entry for this variant (Variation ID: 1923848). An algorithm developed to predict the effect of missense changes on protein structure and function (PolyPhen-2) suggests that this variant is likely to be disruptive. In summary, the available evidence is currently insufficient to determine the role of this variant in disease. Therefore, it has been classified as a Variant of Uncertain Significance.